The following is an entry in ClinVar:

NM_020937.4(FANCM):c.1115A>G (p.Glu372Gly)

Gene: FANCM (FA complementation group M; plus strand). Cytogenetic location: 14q21.2.
Variant type: single nucleotide variant.
Coding change: c.1115A>G on transcript NM_020937.4 (MANE Select); coding-DNA position 1115, A replaced by G.
Protein change: p.Glu372Gly; replaces glutamic acid 372 with glycine.
Molecular consequence: missense variant.
Genome position (GRCh38, 1-based): chr14:45,153,984, A>G. VCF-style: chr14-45153984-A-G. GRCh37 (hg19) VCF-style: chr14-45623187-A-G.
Other names: c.1037A>G, p.Glu346Gly (NM_001308133.2); c.1115A>G, p.Glu372Gly (NM_001308134.2); c.1115A>G (NM_020937.3); short protein forms E346G, E372G.
Identifiers: ClinVar variation 863609 (VCV000863609.14), dbSNP rs762845761, ClinGen allele CA7168936.

ClinVar aggregate classification (germline): Uncertain significance. Review status: criteria provided, multiple submitters, no conflicts (2 of 4 stars). 4 submissions from 4 submitters: Uncertain significance (3). 1 of the submissions does not count toward it. Last evaluated 2025-09-15.

Conditions:
FANCM-related disorder. Also called: FANCM-related condition.
Spermatogenic failure 28. Identifiers: MedGen C4748117, MONDO:0054732, OMIM 618086.
Premature ovarian failure 15. Identifiers: MedGen C4748170, MONDO:0054862, OMIM 618096.
Fanconi anemia (FA). Also called: Fanconi's anemia. Identifiers: Orphanet 84, MedGen C0015625, MeSH D005199, MONDO:0019391.

Allele frequency attached by ClinVar (database versions not stated): ExAC 0.00001; gnomAD exomes 0.00001; TOPMed 0.00001.
gnomAD v4.1: 9 of 1,596,166 alleles (0.00056%); highest among the groups gnomAD compares: Non-Finnish European, 0.0006%; no homozygotes.

Submissions (4):

Labcorp Genetics (formerly Invitae), Labcorp
Classification: Uncertain significance for Fanconi anemia. Last evaluated: 2025-09-15. Review status: criteria provided, single submitter. Criteria: Invitae Variant Classification Sherloc (09022015). Collection method: clinical testing. Allele origin: germline.
Comment: This sequence change replaces glutamic acid, which is acidic and polar, with glycine, which is neutral and non-polar, at codon 372 of the FANCM protein (p.Glu372Gly). This variant is present in population databases (rs762845761, gnomAD 0.0009%). This variant has not been reported in the literature in individuals affected with FANCM-related conditions. ClinVar contains an entry for this variant (Variation ID: 863609). An algorithm developed to predict the effect of missense changes on protein structure and function (PolyPhen-2) suggests that this variant is likely to be disruptive. In summary, the available evidence is currently insufficient to determine the role of this variant in disease. Therefore, it has been classified as a Variant of Uncertain Significance.

GeneDx
Classification: Uncertain significance. Last evaluated: 2024-11-18. Review status: criteria provided, single submitter. Criteria: GeneDx Variant Classification Process June 2021. Collection method: clinical testing. Allele origin: germline. Affected: yes.
Comment: Not observed at significant frequency in large population cohorts (gnomAD); In silico analysis supports that this missense variant has a deleterious effect on protein structure/function; Has not been previously published as pathogenic or benign to our knowledge

Fulgent Genetics
Classification: Uncertain significance for Spermatogenic failure 28; Premature ovarian failure 15. Last evaluated: 2022-04-04. Review status: criteria provided, single submitter. Criteria: ACMG Guidelines, 2015. Collection method: clinical testing. Allele origin: unknown.

PreventionGenetics, part of Exact Sciences
Classification: Uncertain significance for FANCM-related condition. Last evaluated: 2024-06-10. Review status: no assertion criteria provided. Collection method: clinical testing. Allele origin: germline. Not counted in ClinVar's aggregate classification.
Comment: The FANCM c.1115A>G variant is predicted to result in the amino acid substitution p.Glu372Gly. To our knowledge, this variant has not been reported in the literature. This variant is reported in 0.0018% of alleles in individuals of European (Non-Finnish) descent in gnomAD and interpreted as a variant of uncertain significance in ClinVar. At this time, the clinical significance of this variant is uncertain due to the absence of conclusive functional and genetic evidence.